The following is an entry in ClinVar:

NM_001048174.2(MUTYH):c.850-2A>G

Gene: MUTYH (mutY DNA glycosylase; minus strand). Cytogenetic location: 1p34.1.
Variant type: single nucleotide variant.
Coding change: c.850-2A>G on transcript NM_001048174.2 (MANE Select); the canonical splice acceptor site of the intron before coding-DNA position 850, A replaced by G.
Molecular consequence: splice acceptor variant.
Genome position (GRCh38, 1-based): chr1:45,332,088, T>C on the plus strand (A>G on the coding strand, the complement: MUTYH is on the minus strand). VCF-style: chr1-45332088-T-C. GRCh37 (hg19) VCF-style: chr1-45797760-T-C.
Other names: c.850-2A>G (NM_001407072.1, NM_001407073.1, NM_001048171.2 and 6 more transcripts); c.505-2A>G (NM_001350651.2, NM_001350650.2, NM_001407082.1); c.574-2A>G (NM_001293192.2, NM_001293196.2, NM_001407091.1); c.895-2A>G (NM_001293190.2); c.883-2A>G (NM_001407069.1, NM_001407077.1, NM_001293191.2); c.925-2A>G (NM_012222.3); c.934-2A>G (NM_001128425.2); c.853-2A>G (NM_001407071.1, NM_001048172.2, NM_001407078.1 and 1 more transcripts); and 5 more.
Identifiers: ClinVar variation 41766 (VCV000041766.102), dbSNP rs77542170, ClinGen allele CA011869.

ClinVar aggregate classification (germline): Conflicting classifications of pathogenicity. Review status: criteria provided, conflicting classifications (1 of 4 stars). 22 submissions from 21 submitters: Uncertain significance (9); Likely benign (8). 5 of the submissions do not count toward it. Last evaluated 2026-02-02.

Conditions:
MUTYH-related disorder. Also called: MUTYH-related disorders; MUTYH-related condition.
Gastric cancer. Also called: Malignant tumor of stomach; Stomach cancer. Identifiers: MedGen C0024623, MeSH D013274, MONDO:0001056, OMIM 613659, HP:0012126.
Hereditary cancer-predisposing syndrome. Also called: Neoplastic Syndromes, Hereditary; Tumor predisposition; Hereditary Cancer Syndrome; Hereditary neoplastic syndrome. Identifiers: Orphanet 140162, MedGen C0027672, MeSH D009386, MONDO:0015356.
Carcinoma of colon (CRC). Also called: Colon carcinoma; Colonic carcinoma. Identifiers: MedGen C0699790, MONDO:0002032.
Familial adenomatous polyposis 2. Also called: ADENOMAS, MULTIPLE COLORECTAL, AUTOSOMAL RECESSIVE; MUTYH Polyposis; Adenomas, multiple colorectal; FAP type 2; MYH-associated polyposis; MUTYH-related attenuated familial adenomatous polyposis. Identifiers: Orphanet 220460, Orphanet 247798, MedGen C3272841, MONDO:0012041, OMIM 608456.

Allele frequency attached by ClinVar (database versions not stated): TOPMed 0.00045; gnomAD 0.00056 and 0.00035; gnomAD exomes 0.00056 and 0.00113; ExAC 0.00102; 1000 Genomes Project 0.00300; 1000 Genomes Project 30x 0.00265.
gnomAD v4.1: 906 of 1,614,184 alleles (0.056%); highest among the groups gnomAD compares: East Asian, 1.9%; 14 homozygotes.

Submissions 1 to 7 of 35:

Labcorp Genetics (formerly Invitae), Labcorp
Classification: Likely benign for Familial adenomatous polyposis 2. Last evaluated: 2026-02-02. Review status: criteria provided, single submitter. Criteria: Invitae Variant Classification Sherloc (09022015). Collection method: clinical testing. Allele origin: germline.

Quest Diagnostics Nichols Institute San Juan Capistrano
Classification: Uncertain significance. Last evaluated: 2025-05-08. Review status: criteria provided, single submitter. Criteria: Quest Diagnostics criteria. Collection method: clinical testing. Allele origin: unknown.
Comment: The MUTYH c.934-2A>G variant disrupts a canonical splice-acceptor site and is predicted to interfere with normal MUTYH mRNA splicing. Functional studies report that this variant results in aberrant splicing (PMIDs: 15180946 (2004), 26684191 (2016) 30833417 (2019)), however, a recent RNA study demonstrates this variant exclusively results in the in-frame deletion of three amino acids and is unlikely to cause a significant effect on protein function (PMID: 34716202 (2022)). This variant has been reported in individuals with colorectal polyps (PMIDs: 28251689 (2017), 29330641 (2018), 34716202 (2022)), colorectal cancer (PMIDs: 33563768 (2022), 34716202 (2022), 35098669 (2022)), breast cancer (PMIDs: 34716202 (2022), 35264596 (2022), 36119527 (2022)), familial adenomatous polyposis (FAP) (PMIDs: 17703316 (2007), 26837502 (2016)), ovarian cancer (PMID: 37310942 (2023)), as well as other cancer types. This variant has also been observed in reportedly unaffected individuals (PMIDs: 28332257 (2017), 33309985 (2020), 33471991 (2021), see LOVD). The frequency of this variant in the general population (Genome Aggregation Database) is higher than would generally be expected for pathogenic variants in this gene. Based on the available information, we are unable to determine the clinical significance of this variant.

Center for Genomic Medicine, Rigshospitalet, Copenhagen University Hospital
Classification: Likely benign. Last evaluated: 2025-03-04. Review status: criteria provided, single submitter. Criteria: ACMG Guidelines, 2015. Collection method: clinical testing. Allele origin: germline.

Dasa
Classification: Uncertain significance. Last evaluated: 2025-01-14. Review status: criteria provided, single submitter. Criteria: DASA Assertion Criteria. Collection method: clinical testing. Allele origin: germline.
Comment: NM_001048174.2(MUTYH):c.850-2A>G affects a canonical splice site and is predicted to disrupt normal RNA splicing. Published studies describe this variant in association with related phenotype (PMID: 30833417; PMID: 26684191; PMID: 15180946; PMID: 34716202; PMID: 35264596). Also, this variant is rare in population databases. The currently available literature and clinical evidence are not sufficient to establish a definitive association between this variant and the reported condition. Therefore, this variant is classified as a variant of uncertain significance.

PreventionGenetics, part of Exact Sciences
Classification: Likely benign for MUTYH-related condition. Last evaluated: 2024-11-05. Review status: criteria provided, single submitter. Criteria: ACMG Guidelines, 2015. Collection method: clinical testing. Allele origin: germline.
Comment: This variant is classified as likely benign based on ACMG/AMP sequence variant interpretation guidelines (Richards et al. 2015 PMID: 25741868, with internal and published modifications).

Mendelics
Classification: Uncertain significance for Familial adenomatous polyposis 2. Last evaluated: 2024-08-01. Review status: criteria provided, single submitter. Criteria: Mendelics Assertion Criteria 2017. Collection method: clinical testing. Allele origin: unknown.

Blueprint Genetics
Classification: Uncertain significance. Last evaluated: 2024-05-28. Review status: criteria provided, single submitter. Criteria: ACMG Guidelines, 2015. Collection method: clinical testing. Allele origin: germline.